The following is an entry in ClinVar:

ClinVar aggregate classification (germline): Uncertain significance. Review status: criteria provided, multiple submitters, no conflicts (2 of 4 stars). 3 submissions from 3 submitters: Uncertain significance (3). Last evaluated 2024-12-02.

Conditions:
Macrothrombocytopenia and granulocyte inclusions with or without nephritis or sensorineural hearing loss (MATINS). Also called: MYH9-Related Disease (MYH9-RD); MAY-HEGGLIN ANOMALY; BLEEDING DISORDER, PLATELET-TYPE, 6; SEBASTIAN PLATELET SYNDROME; MACROTHROMBOCYTOPENIA WITH DISPERSED LEUKOCYTIC INCLUSIONS; MACROTHROMBOCYTOPENIA, NEPHRITIS, AND DEAFNESS. Identifiers: Orphanet 182050, MedGen C5200934, MONDO:0015912, OMIM 155100.
Autosomal dominant nonsyndromic hearing loss 17. Also called: Autosomal dominant nonsyndromic deafness 17; Deafness, autosomal dominant 17. Identifiers: Orphanet 90635, MedGen C1863659, MONDO:0011350, OMIM 603622.

Allele frequency attached by ClinVar (database versions not stated): gnomAD exomes below 0.00001; TOPMed below 0.00001.
gnomAD v4.1: 4 of 1,606,740 alleles (0.00025%); highest among the groups gnomAD compares: Non-Finnish European, 0.00034%; no homozygotes.

Submissions (3):

Labcorp Genetics (formerly Invitae), Labcorp
Classification: Uncertain significance. Last evaluated: 2024-12-02. Review status: criteria provided, single submitter. Criteria: Invitae Variant Classification Sherloc (09022015). Collection method: clinical testing. Allele origin: germline.
Comment: This sequence change falls in intron 25 of the MYH9 gene. It does not directly change the encoded amino acid sequence of the MYH9 protein. It affects a nucleotide within the consensus splice site. This variant is not present in population databases (gnomAD no frequency). This variant has not been reported in the literature in individuals affected with MYH9-related conditions. ClinVar contains an entry for this variant (Variation ID: 666861). Variants that disrupt the consensus splice site are a relatively common cause of aberrant splicing (PMID: 17576681, 9536098). Algorithms developed to predict the effect of sequence changes on RNA splicing suggest that this variant is not likely to affect RNA splicing. In summary, the available evidence is currently insufficient to determine the role of this variant in disease. Therefore, it has been classified as a Variant of Uncertain Significance.

Fulgent Genetics
Classification: Uncertain significance for Macrothrombocytopenia and granulocyte inclusions with or without nephritis or sensorineural hearing loss; Autosomal dominant nonsyndromic hearing loss 17. Last evaluated: 2022-04-15. Review status: criteria provided, single submitter. Criteria: ACMG Guidelines, 2015. Collection method: clinical testing. Allele origin: unknown.

Laboratory for Molecular Medicine, Mass General Brigham Personalized Medicine
Classification: Uncertain significance. Last evaluated: 2018-06-14. Review status: criteria provided, single submitter. Criteria: LMM Criteria. Collection method: clinical testing. Allele origin: germline. Observed: 1 variant allele.
Comment: The c.3272+3G>T variant in MYH9 has not been previously reported in individuals with hearing loss and data from large population studies is insufficient to asse ss the frequency of this variant. It is located in the 5' splice region. Computa tional tools do not suggest an impact to splicing. However, this information is not predictive enough to rule out pathogenicity. In summary, the clinical signif icance of the c.3272+3G>T variant is uncertain. ACMG/AMP Criteria applied: BP7.

Literature cited by the submitters: PubMed 17576681 (cited by Labcorp Genetics (formerly Invitae), Labcorp); PubMed 9536098 (cited by Labcorp Genetics (formerly Invitae), Labcorp).

NM_002473.6(MYH9):c.3272+3G>T

Gene: MYH9 (myosin heavy chain 9; minus strand). Cytogenetic location: 22q12.3.
Variant type: single nucleotide variant.
Coding change: c.3272+3G>T on transcript NM_002473.6 (MANE Select); 3 bases into the intron after coding-DNA position 3272, G replaced by T.
Molecular consequence: intron variant.
Genome position (GRCh38, 1-based): chr22:36,296,840, C>A on the plus strand (G>T on the coding strand, the complement: MYH9 is on the minus strand). VCF-style: chr22-36296840-C-A. GRCh37 (hg19) VCF-style: chr22-36692886-C-A.
Identifiers: ClinVar variation 666861 (VCV000666861.11), dbSNP rs1238385506, ClinGen allele CA639392587.
Genomic context (GRCh38, chr22:36,296,840, plus strand): 5'-AGCAGCAAGCAGGAAGGGCTGGCCCAGGCCACCTGGCCTCAGGCGGGCAGGCGGGGTCCT[C>A]ACCTGGCCAGGGCGGCCTGGAGCTCCTCCTCTTTCTTGGCCAGCTGCATCTTGAGCTCCG-3'